The following is an entry in ClinVar:

ClinVar aggregate classification (germline): Benign (1 of 4 stars; one submission).

Conditions:
Autosomal dominant nonsyndromic hearing loss 5. Identifiers: Orphanet 90635, MedGen C1832932, MONDO:0010973, OMIM 600994.

Allele frequency attached by ClinVar (database versions not stated): gnomAD exomes 0.00143; gnomAD 0.01264 and 0.01358; 1000 Genomes Project 0.01358; 1000 Genomes Project 30x 0.01359; TOPMed 0.01431.
gnomAD v4.1: 2,050 of 248,128 alleles (0.83%); highest among the groups gnomAD compares: African/African-American, 4.3%; 60 homozygotes.

Submission:

Illumina Laboratory Services, Illumina
Classification: Benign for Autosomal dominant nonsyndromic hearing loss 5. Last evaluated: 2018-01-13. Review status: criteria provided, single submitter. Criteria: ICSL Variant Classification Criteria 13 December 2019. Collection method: clinical testing. Allele origin: germline.
Comment: This variant was observed in the ICSL laboratory as part of a predisposition screen in an ostensibly healthy population. It had not been previously curated by ICSL or reported in the Human Gene Mutation Database (HGMD: prior to June 1st, 2018), and was therefore a candidate for classification through an automated scoring system. Utilizing variant allele frequency, disease prevalence and penetrance estimates, and inheritance mode, an automated score was calculated to assess if this variant is too frequent to cause the disease. Based on the score and internal cut-off values, a variant classified as benign is not then subjected to further curation. The score for this variant resulted in a classification of benign for this disease.

NM_001127453.2(GSDME):c.*448T>C

Gene: GSDME (gasdermin E; minus strand). Cytogenetic location: 7p15.3.
Variant type: single nucleotide variant.
Coding change: c.*448T>C on transcript NM_001127453.2 (MANE Select); 448 bases downstream of the stop codon, T replaced by C.
Molecular consequence: 3 prime UTR variant.
Genome position (GRCh38, 1-based): chr7:24,698,578, A>G on the plus strand (T>C on the coding strand, the complement: GSDME is on the minus strand). VCF-style: chr7-24698578-A-G. GRCh37 (hg19) VCF-style: chr7-24738197-A-G.
Other names: c.*448T>C (NM_001127454.2, NM_004403.3).
Identifiers: ClinVar variation 359826 (VCV000359826.5), dbSNP rs144061292, ClinGen allele CA10628809.